The following is an entry in ClinVar:

ClinVar aggregate classification (germline): Likely benign (0 of 4 stars; one submission).

Conditions:
ABCB11-related disorder. Also called: ABCB11-related condition.

Allele frequency attached by ClinVar (database versions not stated): ExAC 0.00003; gnomAD 0.00007; gnomAD exomes 0.00010; TOPMed 0.00010; ESP Exome Variant Server 0.00034.

Submission:

PreventionGenetics, part of Exact Sciences
Classification: Likely benign for ABCB11-related condition. Last evaluated: 2021-11-12. Review status: no assertion criteria provided. Collection method: clinical testing. Allele origin: germline.
Comment: This variant is classified as likely benign based on ACMG/AMP sequence variant interpretation guidelines (Richards et al. 2015 PMID: 25741868, with internal and published modifications).

NM_003742.4(ABCB11):c.389+4G>A

Gene: ABCB11 (ATP binding cassette subfamily B member 11; minus strand). Cytogenetic location: 2q31.1.
Variant type: single nucleotide variant.
Coding change: c.389+4G>A on transcript NM_003742.4 (MANE Select); 4 bases into the intron after coding-DNA position 389, G replaced by A.
Molecular consequence: intron variant.
Genome position (GRCh38, 1-based): chr2:169,013,268, C>T on the plus strand (G>A on the coding strand, the complement: ABCB11 is on the minus strand). VCF-style: chr2-169013268-C-T. GRCh37 (hg19) VCF-style: chr2-169869778-C-T.
Identifiers: ClinVar variation 3036792 (VCV003036792.2), dbSNP rs368618707, ClinGen allele CA1951912.